The following is an entry in ClinVar:

NM_173660.5(DOK7):c.331+9C>T

Gene: DOK7 (docking protein 7; plus strand). Cytogenetic location: 4p16.3.
Variant type: single nucleotide variant.
Coding change: c.331+9C>T on transcript NM_173660.5 (MANE Select); 9 bases into the intron after coding-DNA position 331, C replaced by T.
Molecular consequence: intron variant.
Genome position (GRCh38, 1-based): chr4:3,473,645, C>T. VCF-style: chr4-3473645-C-T. GRCh37 (hg19) VCF-style: chr4-3475372-C-T.
Other names: p.?; c.331+9C>T (NM_001301071.2, NM_001164673.2); c.100+10094C>T (NM_001363811.2).
Identifiers: ClinVar variation 196595 (VCV000196595.22), dbSNP rs370879328, ClinGen allele CA243604.

ClinVar aggregate classification (germline): Conflicting classifications of pathogenicity. Review status: criteria provided, conflicting classifications (1 of 4 stars). 5 submissions from 5 submitters: Uncertain significance (1); Likely benign (4). Last evaluated 2026-01-20.

Conditions:
Fetal akinesia deformation sequence 1 (FADS1). Also called: Pena-Shokeir syndrome type I; Fetal akinesia sequence. Identifiers: Orphanet 994, MedGen C1276035, MONDO:0100101, OMIM 208150, HP:0001989.
Congenital myasthenic syndrome 10. Also called: Myasthenia, limb-girdle, familial. Identifiers: Orphanet 590, MedGen C1850792, MONDO:0009690, OMIM 254300.

Allele frequency attached by ClinVar (database versions not stated): 1000 Genomes Project 30x 0.00016; 1000 Genomes Project 0.00020; gnomAD exomes 0.00091 and 0.00152; gnomAD 0.00094 and 0.00098; TOPMed 0.00113; ESP Exome Variant Server 0.00126; ExAC 0.00154.
gnomAD v4.1: 2,213 of 1,541,634 alleles (0.14%); highest among the groups gnomAD compares: Non-Finnish European, 0.18%; 5 homozygotes.

Submissions (5):

Labcorp Genetics (formerly Invitae), Labcorp
Classification: Likely benign for Congenital myasthenic syndrome 10; Fetal akinesia deformation sequence 1. Last evaluated: 2026-01-20. Review status: criteria provided, single submitter. Criteria: Invitae Variant Classification Sherloc (09022015). Collection method: clinical testing. Allele origin: germline.

Mayo Clinic Laboratories, Mayo Clinic
Classification: Likely benign. Last evaluated: 2025-07-03. Review status: criteria provided, single submitter. Criteria: ACMG Guidelines, 2015. Collection method: clinical testing. Allele origin: germline. Observed: 4 variant alleles.
Comment: BP4, BP7

Blueprint Genetics
Classification: Likely benign. Last evaluated: 2024-09-18. Review status: criteria provided, single submitter. Criteria: ACMG Guidelines, 2015. Collection method: clinical testing. Allele origin: germline.

Eurofins Ntd Llc (ga)
Classification: Uncertain significance. Last evaluated: 2014-12-20. Review status: criteria provided, single submitter. Criteria: EGL Classification Definitions 2015. Collection method: clinical testing. Allele origin: germline. Observed: 1 variant allele, 1 heterozygote.

PreventionGenetics, part of Exact Sciences
Classification: Likely benign. Review status: criteria provided, single submitter. Criteria: ACMG Guidelines, 2015. Collection method: clinical testing. Allele origin: germline.